The following is an entry in ClinVar:

NM_004168.4(SDHA):c.1312T>C (p.Cys438Arg)

Gene: SDHA (succinate dehydrogenase complex flavoprotein subunit A; plus strand). Cytogenetic location: 5p15.33.
Variant type: single nucleotide variant.
Coding change: c.1312T>C on transcript NM_004168.4 (MANE Select); coding-DNA position 1312, T replaced by C.
Protein change: p.Cys438Arg; replaces cysteine 438 with arginine.
Molecular consequence: missense variant.
Genome position (GRCh38, 1-based): chr5:236,479, T>C. VCF-style: chr5-236479-T-C. GRCh37 (hg19) VCF-style: chr5-236594-T-C.
Other names: c.1168T>C, p.Cys390Arg (NM_001294332.2); c.1312T>C, p.Cys438Arg (NM_001330758.2); short protein forms C438R, C390R.
Identifiers: ClinVar variation 4825098 (VCV004825098.1).

ClinVar aggregate classification (germline): Uncertain significance (1 of 4 stars; one submission).

Conditions:
Hereditary cancer-predisposing syndrome. Also called: Neoplastic Syndromes, Hereditary; Tumor predisposition; Hereditary Cancer Syndrome; Hereditary neoplastic syndrome. Identifiers: Orphanet 140162, MedGen C0027672, MeSH D009386, MONDO:0015356.

Submission:

Ambry Genetics
Classification: Uncertain significance for Hereditary cancer-predisposing syndrome. Last evaluated: 2026-02-16. Review status: criteria provided, single submitter. Criteria: Ambry Variant Classification Scheme 2023. Collection method: clinical testing. Allele origin: germline.
Comment: The p.C438R variant (also known as c.1312T>C), located in coding exon 10 of the SDHA gene, results from a T to C substitution at nucleotide position 1312. The cysteine at codon 438 is replaced by arginine, an amino acid with highly dissimilar properties. This amino acid position is highly conserved in available vertebrate species. In addition, this alteration is predicted to be deleterious by in silico analysis. Based on the available evidence, the clinical significance of this variant remains unclear.